The following is an entry in ClinVar:

ClinVar aggregate classification (germline): Uncertain significance (1 of 4 stars; one submission).

Allele frequency attached by ClinVar (database versions not stated): ExAC 0.00001; gnomAD exomes 0.00001.
gnomAD v4.1: 10 of 1,614,138 alleles (0.00062%); highest among the groups gnomAD compares: Non-Finnish European, 0.00085%; no homozygotes.

Submission:

Labcorp Genetics (formerly Invitae), Labcorp
Classification: Uncertain significance. Last evaluated: 2022-10-24. Review status: criteria provided, single submitter. Criteria: Invitae Variant Classification Sherloc (09022015). Collection method: clinical testing. Allele origin: germline.
Comment: This sequence change affects codon 123 of the F12 mRNA. It is a 'silent' change, meaning that it does not change the encoded amino acid sequence of the F12 protein. This variant is present in population databases (rs778949627, gnomAD 0.0009%). This variant has not been reported in the literature in individuals affected with F12-related conditions. Algorithms developed to predict the effect of sequence changes on RNA splicing suggest that this variant may create or strengthen a splice site. In summary, the available evidence is currently insufficient to determine the role of this variant in disease. Therefore, it has been classified as a Variant of Uncertain Significance.

NM_000505.4(F12):c.369A>G (p.Gln123=)

Gene: F12 (coagulation factor XII; minus strand). Cytogenetic location: 5q35.3.
Variant type: single nucleotide variant.
Coding change: c.369A>G on transcript NM_000505.4 (MANE Select); coding-DNA position 369, A replaced by G.
Protein change: p.Gln123=; no amino-acid change (glutamine 123 retained).
Molecular consequence: synonymous variant.
Genome position (GRCh38, 1-based): chr5:177,405,351, T>C on the plus strand (A>G on the coding strand, the complement: F12 is on the minus strand). VCF-style: chr5-177405351-T-C. GRCh37 (hg19) VCF-style: chr5-176832352-T-C.
Identifiers: ClinVar variation 1905208 (VCV001905208.5), dbSNP rs778949627, ClinGen allele CA3581514.
Genomic context (GRCh38, chr5:177,405,351, plus strand): 5'-GCACCCCGCCCAGGTCCTCCACATCTCCTCACCTTTCTGGCAGTGGTTTCCAGTGAGGTG[T>C]TGTGGACAGAGACAGTGGGGGCCGCTTGGCATGTTCACACAGGTCCCTCCTTTCTGGCAG-3'
Protein context (NP_000496.2, residues 113-133): MPSGPHCLCP[Gln123=]HLTGNHCQKE